The following is an entry in ClinVar:

NM_001003841.3(SLC6A19):c.410T>C (p.Met137Thr)

Gene: SLC6A19 (solute carrier family 6 member 19; plus strand). Cytogenetic location: 5p15.33.
Variant type: single nucleotide variant.
Coding change: c.410T>C on transcript NM_001003841.3 (MANE Select); coding-DNA position 410, T replaced by C.
Protein change: p.Met137Thr; replaces methionine 137 with threonine.
Molecular consequence: missense variant.
Genome position (GRCh38, 1-based): chr5:1,210,510, T>C. VCF-style: chr5-1210510-T-C. GRCh37 (hg19) VCF-style: chr5-1210625-T-C.
Other names: short protein forms M137T.
Identifiers: ClinVar variation 1316946 (VCV001316946.10), dbSNP rs752055539, ClinGen allele CA3182694.
Genomic context (GRCh38, chr5:1,210,510, plus strand): 5'-CCTCCATGCTCACGTCCTTCATGGTGGGACTGTATTACAACACCATCATCTCCTGGATCA[T>C]GTGGTACTTATTCAACTCCTTCCAGGAGCCTCTGCCCTGGAGCGACTGCCCGCTCAACGA-3'
Protein context (NP_001003841.1, residues 127-147): LYYNTIISWI[Met137Thr]WYLFNSFQEP

ClinVar aggregate classification (germline): Uncertain significance. Review status: criteria provided, multiple submitters, no conflicts (2 of 4 stars). 4 submissions from 4 submitters: Uncertain significance (4). Last evaluated 2024-10-29.

Conditions:
Inborn genetic diseases. Identifiers: MedGen C0950123, MeSH D030342.
Neutral 1 amino acid transport defect (HND). Also called: HARTNUP DISORDER; Hartnup disease. Identifiers: Orphanet 2116, MedGen C0018609, MONDO:0009324, OMIM 234500.

Allele frequency attached by ClinVar (database versions not stated): gnomAD 0.00001; TOPMed 0.00001; ExAC 0.00002; gnomAD exomes 0.00002.

Submissions (4):

Labcorp Genetics (formerly Invitae), Labcorp
Classification: Uncertain significance. Last evaluated: 2024-10-29. Review status: criteria provided, single submitter. Criteria: Invitae Variant Classification Sherloc (09022015). Collection method: clinical testing. Allele origin: germline.
Comment: This sequence change replaces methionine, which is neutral and non-polar, with threonine, which is neutral and polar, at codon 137 of the SLC6A19 protein (p.Met137Thr). This variant is present in population databases (rs752055539, gnomAD 0.009%). This variant has not been reported in the literature in individuals affected with SLC6A19-related conditions. ClinVar contains an entry for this variant (Variation ID: 1316946). An algorithm developed to predict the effect of missense changes on protein structure and function outputs the following: PolyPhen-2: "Benign". The threonine amino acid residue is found in multiple mammalian species, which suggests that this missense change does not adversely affect protein function. In summary, the available evidence is currently insufficient to determine the role of this variant in disease. Therefore, it has been classified as a Variant of Uncertain Significance.

Fulgent Genetics
Classification: Uncertain significance for Neutral 1 amino acid transport defect. Last evaluated: 2024-05-21. Review status: criteria provided, single submitter. Criteria: ACMG Guidelines, 2015. Collection method: clinical testing. Allele origin: germline.

Ambry Genetics
Classification: Uncertain significance for Inborn genetic diseases. Last evaluated: 2021-11-30. Review status: criteria provided, single submitter. Criteria: Ambry Variant Classification Scheme 2023. Collection method: clinical testing. Allele origin: germline.

GeneDx
Classification: Uncertain significance. Last evaluated: 2019-03-15. Review status: criteria provided, single submitter. Criteria: GeneDx Variant Classification Process June 2021. Collection method: clinical testing. Allele origin: germline. Affected: yes.
Comment: In silico analysis, which includes protein predictors and evolutionary conservation, supports a deleterious effect; Has not been previously published as pathogenic or benign to our knowledge